The following is an entry in ClinVar:

NM_000548.5(TSC2):c.138+1G>A

Gene: TSC2 (TSC complex subunit 2; plus strand). Cytogenetic location: 16p13.3.
Variant type: single nucleotide variant.
Coding change: c.138+1G>A on transcript NM_000548.5 (MANE Select); the canonical splice donor site of the intron after coding-DNA position 138, G replaced by A.
Molecular consequence: splice donor variant. On other transcripts: intron variant (6).
Genome position (GRCh38, 1-based): chr16:2,048,754, G>A. VCF-style: chr16-2048754-G-A. GRCh37 (hg19) VCF-style: chr16-2098755-G-A.
Other names: c.-10+689G>A (NM_001406679.1, NM_001406675.1, NM_001406676.1 and 2 more transcripts); c.-89+689G>A (NM_001406686.1); c.171+1G>A (NM_001318832.2); c.-1600+1G>A (NM_001406693.1); c.138+1G>A (NM_001406667.1, NM_001406668.1, NM_001114382.3 and 13 more transcripts); c.-679+1G>A (NM_001406680.1, NM_001406683.1, NM_001406687.1); c.-1294+1G>A (NM_001406689.1, NM_001406690.1, NM_001406692.1 and 2 more transcripts); c.-1470+1G>A (NM_001406698.1); and 4 more.
Identifiers: ClinVar variation 49661 (VCV000049661.2), dbSNP rs45517091, ClinGen allele CA014645.

ClinVar aggregate classification (germline): Likely pathogenic. Review status: criteria provided, single submitter (1 of 4 stars). 2 submissions from 2 submitters: Likely pathogenic (1). 1 of the submissions does not count toward it. Last evaluated 2024-08-08.

Conditions:
Tuberous sclerosis syndrome (TSC). Also called: Tuberous Sclerosis Complex; Tuberous sclerosis. Identifiers: Orphanet 805, MedGen C0041341, MONDO:0001734.

Submissions (2):

Cambridge Genomics Laboratory, East Genomic Laboratory Hub, NHS Genomic Medicine Service
Classification: Likely pathogenic for Tuberous sclerosis. Last evaluated: 2024-08-08. Review status: criteria provided, single submitter. Criteria: ACGS Best Practice Guidelines for Variant Classification in Rare Disease 2020. Collection method: clinical testing. Allele origin: germline. Affected: yes.
Comment: PVS1_Moderate,PS4_Moderate,PM2,PP4

Tuberous sclerosis database (TSC2)
No classification provided. Condition: TSC. Review status: no classification provided. Criteria: Tuberous Sclerosis Database Assertion Criteria 2015. Collection method: curation. Allele origin: germline. Affected: yes. Not counted in ClinVar's aggregate classification.